The following is an entry in ClinVar:

NM_006662.3(SRCAP):c.-209-1G>C

Gene: SRCAP (Snf2 related CREBBP activator protein; plus strand). Cytogenetic location: 16p11.2.
Variant type: single nucleotide variant.
Coding change: c.-209-1G>C on transcript NM_006662.3 (MANE Select); the canonical splice acceptor site of the intron before 209 bases upstream of the start codon, G replaced by C.
Molecular consequence: splice acceptor variant.
Genome position (GRCh38, 1-based): chr16:30,700,615, G>C. VCF-style: chr16-30700615-G-C. GRCh37 (hg19) VCF-style: chr16-30711936-G-C.
Identifiers: ClinVar variation 2503177 (VCV002503177.2), dbSNP rs2506584229, ClinGen allele CA2580613459.

ClinVar aggregate classification (germline): Uncertain significance (1 of 4 stars; one submission).

Submission:

GeneDx
Classification: Uncertain significance. Last evaluated: 2026-01-31. Review status: criteria provided, single submitter. Criteria: GeneDx Variant Classification Process June 2021. Collection method: clinical testing. Allele origin: germline.
Comment: Canonical splice site variant predicted to result in a null allele in a gene for which loss of function is a known mechanism of disease; No data available from control populations to assess the frequency of this variant; Has not been previously published as pathogenic or benign to our knowledge